The following is an entry in ClinVar:

ClinVar aggregate classification (germline): Uncertain significance (1 of 4 stars; one submission).

Conditions:
Charcot-Marie-Tooth disease dominant intermediate B (CMTDIB). Also called: Charcot-Marie-Tooth disease dominant intermediate 1; CMT DI1; Charcot-Marie-Tooth disease dominant intermediate I; CHARCOT-MARIE-TOOTH NEUROPATHY, DOMINANT INTERMEDIATE B. Identifiers: Orphanet 100044, Orphanet 228179, MedGen C1847902, MONDO:0011674, OMIM 606482.

Allele frequency attached by ClinVar (database versions not stated): gnomAD exomes below 0.00001.
gnomAD v4.1: 1 of 1,614,152 alleles (0.000062%); highest among the groups gnomAD compares: Non-Finnish European, 0.000085%; no homozygotes.

Submission:

Labcorp Genetics (formerly Invitae), Labcorp
Classification: Uncertain significance for Charcot-Marie-Tooth disease dominant intermediate B. Last evaluated: 2019-06-22. Review status: criteria provided, single submitter. Criteria: Invitae Variant Classification Sherloc (09022015). Collection method: clinical testing. Allele origin: germline.
Comment: This sequence change replaces glutamic acid with aspartic acid at codon 378 of the DNM2 protein (p.Glu378Asp). The glutamic acid residue is highly conserved and there is a small physicochemical difference between glutamic acid and aspartic acid. This variant is not present in population databases (ExAC no frequency). This variant has not been reported in the literature in individuals with DNM2-related conditions. Algorithms developed to predict the effect of missense changes on protein structure and function are either unavailable or do not agree on the potential impact of this missense change (SIFT: "Tolerated"; PolyPhen-2: "Possibly Damaging"; Align-GVGD: "Class C0"). In summary, the available evidence is currently insufficient to determine the role of this variant in disease. Therefore, it has been classified as a Variant of Uncertain Significance.

NM_001005361.3(DNM2):c.1134G>C (p.Glu378Asp)

Gene: DNM2 (dynamin 2; plus strand). Cytogenetic location: 19p13.2.
Variant type: single nucleotide variant.
Coding change: c.1134G>C on transcript NM_001005361.3 (MANE Select); coding-DNA position 1134, G replaced by C.
Protein change: p.Glu378Asp; replaces glutamic acid 378 with aspartic acid.
Molecular consequence: missense variant.
Genome position (GRCh38, 1-based): chr19:10,795,377, G>C. VCF-style: chr19-10795377-G-C. GRCh37 (hg19) VCF-style: chr19-10906053-G-C.
Other names: c.1134G>C, p.Glu378Asp (NM_001005360.3, NM_001005362.3, NM_001190716.2 and 1 more transcripts); short protein forms E378D.
Identifiers: ClinVar variation 937876 (VCV000937876.9), dbSNP rs1223342362, ClinGen allele CA404048271.